The following is an entry in ClinVar:

NM_006393.3(NEBL):c.2486T>C (p.Val829Ala)

Gene: NEBL (nebulette; minus strand). Cytogenetic location: 10p12.31.
Variant type: single nucleotide variant.
Coding change: c.2486T>C on transcript NM_006393.3 (MANE Select); coding-DNA position 2486, T replaced by C.
Protein change: p.Val829Ala; replaces valine 829 with alanine.
Molecular consequence: missense variant.
Genome position (GRCh38, 1-based): chr10:20,812,801, A>G on the plus strand (T>C on the coding strand, the complement: NEBL is on the minus strand). VCF-style: chr10-20812801-A-G. GRCh37 (hg19) VCF-style: chr10-21101730-A-G.
Other names: c.497T>C, p.Val166Ala (NM_001173484.2, NM_001377322.1, NM_213569.2); c.449T>C, p.Val150Ala (NM_001377323.1); c.440T>C, p.Val147Ala (NM_001377324.1); c.431T>C, p.Val144Ala (NM_001377325.1); c.389T>C, p.Val130Ala (NM_001377326.1, NM_001377327.1, NM_001377328.1); short protein forms V130A, V144A, V147A, V150A, V166A, V829A.
Identifiers: ClinVar variation 4860796 (VCV004860796.1).

ClinVar aggregate classification (germline): Uncertain significance (1 of 4 stars; one submission).

Submission:

Ambry Genetics
Classification: Uncertain significance. Last evaluated: 2026-03-29. Review status: criteria provided, single submitter. Criteria: Ambry Variant Classification Scheme 2023. Collection method: clinical testing. Allele origin: germline.
Comment: The p.V829A variant (also known as c.2486T>C), located in coding exon 24 of the NEBL gene, results from a T to C substitution at nucleotide position 2486. The valine at codon 829 is replaced by alanine, an amino acid with similar properties. This amino acid position is conserved. In addition, this alteration is predicted to be tolerated by in silico analysis. Based on the available evidence, the clinical significance of this variant remains unclear.